The following is an entry in ClinVar:

ClinVar aggregate classification (germline): Pathogenic (1 of 4 stars; one submission).

Conditions:
Polycystic kidney disease, adult type (PKD1). Also called: POLYCYSTIC KIDNEY DISEASE, ADULT, TYPE I; Polycystic Kidney Disease 1, Autosomal Dominant; Polycystic kidney disease 1; Polycystic kidney disease 1, severe; Polycystic Kidney, Autosomal Dominant; POLYCYSTIC KIDNEY DISEASE 1 WITH OR WITHOUT POLYCYSTIC LIVER DISEASE. Identifiers: MedGen C3149841, MONDO:0008263, OMIM 173900.

Submission:

MVZ Medizinische Genetik Mainz
Classification: Pathogenic for Polycystic kidney disease, adult type. Last evaluated: 2023-12-28. Review status: criteria provided, single submitter. Criteria: UK Practice Guidelines For Variant Classification V4 01 2020. Collection method: clinical testing. Allele origin: germline. Inheritance: Autosomal dominant inheritance. Affected: yes. Observed: 1 variant allele.
Comment: ACMG Criteria: PVS1,PM2_SUP,PP4

NM_001009944.3(PKD1):c.687G>A (p.Trp229Ter)

Gene: PKD1 (polycystin 1, transient receptor potential channel interacting; minus strand). Cytogenetic location: 16p13.3.
Variant type: single nucleotide variant.
Coding change: c.687G>A on transcript NM_001009944.3 (MANE Select); coding-DNA position 687, G replaced by A.
Protein change: p.Trp229Ter; replaces tryptophan 229 with a stop codon.
Molecular consequence: nonsense.
Genome position (GRCh38, 1-based): chr16:2,118,305, C>T on the plus strand (G>A on the coding strand, the complement: PKD1 is on the minus strand). VCF-style: chr16-2118305-C-T. GRCh37 (hg19) VCF-style: chr16-2168306-C-T.
Other names: c.687G>A, p.Trp229Ter (NM_000296.4); short protein forms W229*.
Identifiers: ClinVar variation 4857290 (VCV004857290.1).
Genomic context (GRCh38, chr16:2,118,305, plus strand): 5'-GGAGCAGAGGGACAGGCAGGCAAAGGAGGCACTGGAGGGCTGGGCCGCCCCACACAGGCA[C>T]CAGCCCTGCTCCGAGAGGGCTGCGAGGCCCTGGCCGGTGGAGAAGCAGAAGGCGCTGCAG-3'